The following is an entry in ClinVar:

NM_144997.7(FLCN):c.871+3G>A

Gene: FLCN (folliculin; minus strand). Cytogenetic location: 17p11.2.
Variant type: single nucleotide variant.
Coding change: c.871+3G>A on transcript NM_144997.7 (MANE Select); 3 bases into the intron after coding-DNA position 871, G replaced by A.
Molecular consequence: intron variant. On other transcripts: missense variant (1).
Genome position (GRCh38, 1-based): chr17:17,221,534, C>T on the plus strand (G>A on the coding strand, the complement: FLCN is on the minus strand). VCF-style: chr17-17221534-C-T. GRCh37 (hg19) VCF-style: chr17-17124848-C-T.
Other names: c.874G>A, p.Glu292Lys (NM_144606.7); c.871+3G>A (NM_001353231.2, NM_001353230.2); c.925+3G>A (NM_001353229.2); short protein forms E292K.
Identifiers: ClinVar variation 2036625 (VCV002036625.4), dbSNP rs2047088646, ClinGen allele CA398533602.

ClinVar aggregate classification (germline): Uncertain significance (1 of 4 stars; one submission).

Conditions:
Birt-Hogg-Dube syndrome. Also called: Birt Hogg Dubé syndrome. Identifiers: Orphanet 122, MedGen C0346010, MONDO:0800444.

Allele frequency attached by ClinVar (database versions not stated): TOPMed below 0.00001.

Submission:

Labcorp Genetics (formerly Invitae), Labcorp
Classification: Uncertain significance for Birt-Hogg-Dube syndrome. Last evaluated: 2022-10-23. Review status: criteria provided, single submitter. Criteria: Invitae Variant Classification Sherloc (09022015). Collection method: clinical testing. Allele origin: germline.
Comment: This sequence change falls in intron 8 of the FLCN gene. It does not directly change the encoded amino acid sequence of the FLCN protein. It affects a nucleotide within the consensus splice site. This variant is not present in population databases (gnomAD no frequency). This variant has not been reported in the literature in individuals affected with FLCN-related conditions. Variants that disrupt the consensus splice site are a relatively common cause of aberrant splicing (PMID: 17576681, 9536098). Algorithms developed to predict the effect of sequence changes on RNA splicing suggest that this variant is not likely to affect RNA splicing. In summary, the available evidence is currently insufficient to determine the role of this variant in disease. Therefore, it has been classified as a Variant of Uncertain Significance.

Literature cited by the submitters: PubMed 17576681; PubMed 9536098.